The following is an entry in ClinVar:

NM_006231.4(POLE):c.110G>C (p.Arg37Pro)

Gene: POLE (DNA polymerase epsilon, catalytic subunit; minus strand). Cytogenetic location: 12q24.33.
Variant type: single nucleotide variant.
Coding change: c.110G>C on transcript NM_006231.4 (MANE Select); coding-DNA position 110, G replaced by C.
Protein change: p.Arg37Pro; replaces arginine 37 with proline.
Molecular consequence: missense variant.
Genome position (GRCh38, 1-based): chr12:132,681,232, C>G on the plus strand (G>C on the coding strand, the complement: POLE is on the minus strand). VCF-style: chr12-132681232-C-G. GRCh37 (hg19) VCF-style: chr12-133257818-C-G.
Other names: short protein forms R37P.
Identifiers: ClinVar variation 3308368 (VCV003308368.1).

ClinVar aggregate classification (germline): Uncertain significance (1 of 4 stars; one submission).

Conditions:
Hereditary cancer-predisposing syndrome. Also called: Neoplastic Syndromes, Hereditary; Tumor predisposition; Hereditary neoplastic syndrome; Hereditary Cancer Syndrome. Identifiers: Orphanet 140162, MedGen C0027672, MeSH D009386, MONDO:0015356.

Submission:

Ambry Genetics
Classification: Uncertain significance for Hereditary cancer-predisposing syndrome. Last evaluated: 2024-04-06. Review status: criteria provided, single submitter. Criteria: Ambry Variant Classification Scheme 2023. Collection method: clinical testing. Allele origin: germline.
Comment: The p.R37P variant (also known as c.110G>C), located in coding exon 2 of the POLE gene, results from a G to C substitution at nucleotide position 110. The arginine at codon 37 is replaced by proline, an amino acid with dissimilar properties. This amino acid position is conserved. In addition, the in silico prediction for this alteration is inconclusive. Based on the available evidence, the clinical significance of this variant remains unclear.